The following is an entry in ClinVar:

NM_138694.4(PKHD1):c.7600A>G (p.Lys2534Glu)

Gene: PKHD1 (PKHD1 ciliary IPT domain containing fibrocystin/polyductin; minus strand). Cytogenetic location: 6p12.2.
Variant type: single nucleotide variant.
Coding change: c.7600A>G on transcript NM_138694.4 (MANE Select); coding-DNA position 7600, A replaced by G.
Protein change: p.Lys2534Glu; replaces lysine 2534 with glutamic acid.
Molecular consequence: missense variant.
Genome position (GRCh38, 1-based): chr6:51,867,996, T>C on the plus strand (A>G on the coding strand, the complement: PKHD1 is on the minus strand). VCF-style: chr6-51867996-T-C. GRCh37 (hg19) VCF-style: chr6-51732794-T-C.
Other names: c.7600A>G, p.Lys2534Glu (NM_170724.3); short protein forms K2534E.
Identifiers: ClinVar variation 1419657 (VCV001419657.3), dbSNP rs1392464284, ClinGen allele CA364418799.
Genomic context (GRCh38, chr6:51,867,996, plus strand): 5'-AATTGACCAAACAAGAAGCTGAAAGGGTTTCCATAGAAGCAAGAATGTGACTTCTGTTTT[T>C]CCCAGACAGAGACCCATCCAAGTCTTCCAAAATTGCTGCATGAGGAAATGGAAATGCCAC-3'
Protein context (NP_619639.3, residues 2524-2544): LEDLDGSLSG[Lys2534Glu]NRSHILASME

ClinVar aggregate classification (germline): Uncertain significance (1 of 4 stars; one submission).

Conditions:
Autosomal recessive polycystic kidney disease (ARPKD). Also called: AR polycystic kidney disease. Identifiers: Orphanet 731, Orphanet 8378, MedGen C0085548, MeSH D017044, MONDO:0009889.

Allele frequency attached by ClinVar (database versions not stated): gnomAD exomes below 0.00001; gnomAD 0.00001.
gnomAD v4.1: 2 of 1,613,244 alleles (0.00012%); highest among the groups gnomAD compares: Non-Finnish European, 0.00017%; no homozygotes.

Submission:

Labcorp Genetics (formerly Invitae), Labcorp
Classification: Uncertain significance for Autosomal recessive polycystic kidney disease. Last evaluated: 2021-10-14. Review status: criteria provided, single submitter. Criteria: Invitae Variant Classification Sherloc (09022015). Collection method: clinical testing. Allele origin: germline.
Comment: This sequence change replaces lysine with glutamic acid at codon 2534 of the PKHD1 protein (p.Lys2534Glu). The lysine residue is weakly conserved and there is a small physicochemical difference between lysine and glutamic acid. This variant is not present in population databases (ExAC no frequency). This variant has not been reported in the literature in individuals affected with PKHD1-related conditions. Advanced modeling of protein sequence and biophysical properties (such as structural, functional, and spatial information, amino acid conservation, physicochemical variation, residue mobility, and thermodynamic stability) performed at Invitae indicates that this missense variant is not expected to disrupt PKHD1 protein function. In summary, the available evidence is currently insufficient to determine the role of this variant in disease. Therefore, it has been classified as a Variant of Uncertain Significance.